The following is an entry in ClinVar:

NM_003919.3(SGCE):c.1010A>C (p.Tyr337Ser)

Genes: CASD1 (CAS1 domain sialic acid O acetyltransferase 1; plus strand), SGCE (sarcoglycan epsilon; minus strand). Cytogenetic location: 7q21.3.
Variant type: single nucleotide variant.
Coding change: c.1010A>C on transcript NM_003919.3 (MANE Select); coding-DNA position 1010, A replaced by C.
Protein change: p.Tyr337Ser; replaces tyrosine 337 with serine.
Molecular consequence: missense variant.
Genome position (GRCh38, 1-based): chr7:94,600,673, T>G on the plus strand (A>C on the coding strand, the complement: SGCE is on the minus strand). VCF-style: chr7-94600673-T-G. GRCh37 (hg19) VCF-style: chr7-94229985-T-G.
Other names: c.1010A>C, p.Tyr337Ser (NM_001099400.2, NM_001099401.2, NM_001346717.2); c.887A>C, p.Tyr296Ser (NM_001301139.2, NM_001362809.2); c.1118A>C, p.Tyr373Ser (NM_001346713.2, NM_001346715.2); c.923A>C, p.Tyr308Ser (NM_001346719.2, NM_001362807.2); c.737A>C, p.Tyr246Ser (NM_001346720.2, NM_001362808.2); short protein forms Y246S, Y296S, Y308S, Y337S, Y373S.
Identifiers: ClinVar variation 2571284 (VCV002571284.27), dbSNP rs1799066913, ClinGen allele CA368230483.

ClinVar aggregate classification (germline): Uncertain significance (1 of 4 stars; one submission).

Allele frequency attached by ClinVar (database versions not stated): TOPMed below 0.00001.

Submission:

CeGaT Center for Human Genetics Tuebingen
Classification: Uncertain significance. Last evaluated: 2023-05-01. Review status: criteria provided, single submitter. Criteria: CeGaT Center For Human Genetics Tuebingen Variant Classification Criteria Version 2. Collection method: clinical testing. Allele origin: germline. Affected: yes. Observed: 1 variant allele.
Comment: SGCE: PM2, PP3